The following is an entry in ClinVar:

NM_017950.4(CCDC40):c.1846C>T (p.Gln616Ter)

Gene: CCDC40 (coiled-coil domain 40 molecular ruler complex subunit; plus strand). Cytogenetic location: 17q25.3.
Variant type: single nucleotide variant.
Coding change: c.1846C>T on transcript NM_017950.4 (MANE Select); coding-DNA position 1846, C replaced by T.
Protein change: p.Gln616Ter; replaces glutamine 616 with a stop codon.
Molecular consequence: nonsense.
Genome position (GRCh38, 1-based): chr17:80,081,915, C>T. VCF-style: chr17-80081915-C-T. GRCh37 (hg19) VCF-style: chr17-78055714-C-T.
Other names: c.1846C>T, p.Gln616Ter (NM_001243342.2); short protein forms Q616*.
Identifiers: ClinVar variation 4886398 (VCV004886398.4).

ClinVar aggregate classification (germline): Likely pathogenic. Review status: criteria provided, multiple submitters, no conflicts (2 of 4 stars). 3 submissions from 3 submitters: Likely pathogenic (3). Last evaluated 2026-08-06.

Conditions:
CCDC40-related disorder. Also called: CCDC40-related condition.
Primary ciliary dyskinesia 15. Also called: CILIARY DYSKINESIA, PRIMARY, 15, WITH OR WITHOUT SITUS INVERSUS. Identifiers: Orphanet 244, MedGen C3151137, MONDO:0013435, OMIM 613808.

gnomAD v4.1: 2 of 1,613,976 alleles (0.00012%); highest among the groups gnomAD compares: Non-Finnish European, 0.00017%; no homozygotes.

Submissions (3):

OLLIN Analises Genomicas, OLLIN
Classification: Likely pathogenic for Primary ciliary dyskinesia 15. Last evaluated: 2026-08-06. Review status: criteria provided, single submitter. Criteria: ACMG Guidelines 2015 PMID 25741868. Collection method: clinical testing. Allele origin: germline. Inheritance: Autosomal recessive inheritance.
Comment: This nonsense variant, located in exon 12 (of 20), has been observed in gnomAD with an allele frequency of 0.00012%, but has not been reported in ClinVar or identified in the literature. This variant introduces a premature stop codon, which is predicted to result in either a truncated protein or degradation of the mRNA via nonsense-mediated decay (NMD). According to the currently available evidence, this variant has been classified as likely pathogenic (PVS1, PM2_P).

Dasa
Classification: Likely pathogenic. Last evaluated: 2025-10-15. Review status: criteria provided, single submitter. Criteria: DASA Assertion Criteria. Collection method: clinical testing. Allele origin: germline.
Comment: NM_017950.4(CCDC40):c.1846C>T (p.Gln616*) is a nonsense variant in CCDC40 predicted to introduce a premature termination codon and is predicted to result in an absent or altered protein product. Loss of function is an established disease mechanism for CCDC40-associated disorders. Also, this variant is rare in population databases. Based on the currently available evidence, this variant is classified as likely pathogenic.

Blueprint Genetics
Classification: Likely pathogenic for CCDC40-related disorders. Last evaluated: 2022-01-21. Review status: criteria provided, single submitter. Criteria: ACMG Guidelines, 2015. Collection method: clinical testing. Allele origin: germline. Affected: yes. Observed: 1 variant allele.